The following is an entry in ClinVar:

NM_001164508.2(NEB):c.14834A>G (p.Tyr4945Cys)

Gene: NEB (nebulin; minus strand). Cytogenetic location: 2q23.3.
Variant type: single nucleotide variant.
Coding change: c.14834A>G on transcript NM_001164508.2 (MANE Select); coding-DNA position 14834, A replaced by G.
Protein change: p.Tyr4945Cys; replaces tyrosine 4945 with cysteine.
Molecular consequence: missense variant. On other transcripts: intron variant (1).
Genome position (GRCh38, 1-based): chr2:151,591,448, T>C on the plus strand (A>G on the coding strand, the complement: NEB is on the minus strand). VCF-style: chr2-151591448-T-C. GRCh37 (hg19) VCF-style: chr2-152447962-T-C.
Other names: c.14834A>G, p.Tyr4945Cys (NM_001164507.2, NM_001271208.2); c.11602-15094A>G (NM_004543.5); short protein forms Y4945C.
Identifiers: ClinVar variation 383128 (VCV000383128.1), dbSNP rs1057521524, ClinGen allele CA16603783.

ClinVar aggregate classification (germline): Likely benign (1 of 4 stars; one submission).

Submission:

GeneDx
Classification: Likely benign. Last evaluated: 2016-02-26. Review status: criteria provided, single submitter. Criteria: GeneDx Variant Classification (06012015). Collection method: clinical testing. Allele origin: germline. Affected: yes.
Comment: This variant is considered likely benign or benign based on one or more of the following criteria: it is a conservative change, it occurs at a poorly conserved position in the protein, it is predicted to be benign by multiple in silico algorithms, and/or has population frequency not consistent with disease.